The following is an entry in ClinVar:

ClinVar aggregate classification (germline): Uncertain significance (1 of 4 stars; one submission).

Allele frequency attached by ClinVar (database versions not stated): gnomAD 0.00002; TOPMed 0.00003.
gnomAD v4.1: 5 of 1,613,982 alleles (0.00031%); highest among the groups gnomAD compares: African/African-American, 0.004%; no homozygotes.

Submission:

Labcorp Genetics (formerly Invitae), Labcorp
Classification: Uncertain significance. Last evaluated: 2022-06-20. Review status: criteria provided, single submitter. Criteria: Invitae Variant Classification Sherloc (09022015). Collection method: clinical testing. Allele origin: germline.
Comment: In summary, the available evidence is currently insufficient to determine the role of this variant in disease. Therefore, it has been classified as a Variant of Uncertain Significance. Algorithms developed to predict the effect of sequence changes on RNA splicing suggest that this variant may create or strengthen a splice site. Algorithms developed to predict the effect of missense changes on protein structure and function (SIFT, PolyPhen-2, Align-GVGD) all suggest that this variant is likely to be tolerated. This variant has not been reported in the literature in individuals affected with PDP1-related conditions. This variant is not present in population databases (gnomAD no frequency). This sequence change replaces alanine, which is neutral and non-polar, with valine, which is neutral and non-polar, at codon 121 of the PDP1 protein (p.Ala121Val).

NM_018444.4(PDP1):c.362C>T (p.Ala121Val)

Gene: PDP1 (pyruvate dehydrogenase phosphatase catalytic subunit 1; plus strand). Cytogenetic location: 8q22.1.
Variant type: single nucleotide variant.
Coding change: c.362C>T on transcript NM_018444.4 (MANE Select); coding-DNA position 362, C replaced by T.
Protein change: p.Ala121Val; replaces alanine 121 with valine.
Molecular consequence: missense variant.
Genome position (GRCh38, 1-based): chr8:93,922,421, C>T. VCF-style: chr8-93922421-C-T. GRCh37 (hg19) VCF-style: chr8-94934649-C-T.
Other names: c.437C>T, p.Ala146Val (NM_001161779.2, NM_001161780.2); c.362C>T, p.Ala121Val (NM_001161781.2); short protein forms A121V, A146V.
Identifiers: ClinVar variation 1424404 (VCV001424404.9), dbSNP rs1055081238, ClinGen allele CA181375042.
Genomic context (GRCh38, chr8:93,922,421, plus strand): 5'-TTGACGGCAAAAATGTCAGTTCTATCCTTGGATTTGACAGCAATCAGCTGCCTGCAAATG[C>T]ACCCATTGAGGACCGGAGAAGTGCAGCAACCTGCTTGCAGACCAGAGGGATGCTTTTGGG-3'
Protein context (NP_060914.2, residues 111-131): GFDSNQLPAN[Ala121Val]PIEDRRSAAT